The following is an entry in ClinVar:

ClinVar aggregate classification (germline): Uncertain significance. Review status: criteria provided, multiple submitters, no conflicts (2 of 4 stars). 4 submissions from 4 submitters: Uncertain significance (3). 1 of the submissions does not count toward it. Last evaluated 2026-08-06.

Conditions:
Inborn genetic diseases. Identifiers: MedGen C0950123, MeSH D030342.
Mucopolysaccharidosis type 1. Also called: Mucopolysaccharidosis Type I; IDUA deficiency; MPS I. Identifiers: Orphanet 579, MedGen C0023786, MONDO:0001586.
Hurler syndrome. Also called: Severe MPS I (Hurler Syndrome); MUCOPOLYSACCHARIDOSIS TYPE IH; Gargoylism, Hurler Syndrome. Identifiers: Orphanet 93473, MedGen C0086795, MONDO:0011758, OMIM 607014.

Allele frequency attached by ClinVar (database versions not stated): gnomAD exomes 0.00001; gnomAD 0.00010 and 0.00011; 1000 Genomes Project 30x 0.00016; ExAC 0.00017; 1000 Genomes Project 0.00060; TOPMed 0.00011.
gnomAD v4.1: 23 of 1,430,572 alleles (0.0016%); highest among the groups gnomAD compares: African/African-American, 0.034%; no homozygotes.

Submissions (4):

OLLIN Analises Genomicas, OLLIN
Classification: Uncertain significance for Hurler syndrome. Last evaluated: 2026-08-06. Review status: criteria provided, single submitter. Criteria: ACMG Guidelines 2015 PMID 25741868. Collection method: clinical testing. Allele origin: germline. Inheritance: Autosomal recessive inheritance.
Comment: This missense variant, located in exon 9 (of 14), has been reported in ClinVar (accession VCV001022974.8) and in gnomAD with an allele frequency of 0.0016%. However, to our knowledge, it has not been reported in the scientific literature. In silico analysis is inconclusive regarding the impact of this variant. According to the currently available evidence, this variant has been classified as uncertain significance (PM2_P).

Ambry Genetics
Classification: Uncertain significance for Inborn genetic diseases. Last evaluated: 2023-03-06. Review status: criteria provided, single submitter. Criteria: Ambry Variant Classification Scheme 2023. Collection method: clinical testing. Allele origin: germline.

Labcorp Genetics (formerly Invitae), Labcorp
Classification: Uncertain significance for Mucopolysaccharidosis type 1. Last evaluated: 2022-09-02. Review status: criteria provided, single submitter. Criteria: Invitae Variant Classification Sherloc (09022015). Collection method: clinical testing. Allele origin: germline.
Comment: This sequence change replaces alanine, which is neutral and non-polar, with aspartic acid, which is acidic and polar, at codon 448 of the IDUA protein (p.Ala448Asp). The frequency data for this variant in the population databases is considered unreliable, as metrics indicate poor data quality at this position in the gnomAD database. This variant has not been reported in the literature in individuals affected with IDUA-related conditions. ClinVar contains an entry for this variant (Variation ID: 1022974). Algorithms developed to predict the effect of missense changes on protein structure and function (SIFT, PolyPhen-2, Align-GVGD) all suggest that this variant is likely to be tolerated. In summary, the available evidence is currently insufficient to determine the role of this variant in disease. Therefore, it has been classified as a Variant of Uncertain Significance.

Natera, Inc.
Classification: Uncertain significance for Mucopolysaccharidosis type I. Last evaluated: 2020-08-18. Review status: no assertion criteria provided. Collection method: clinical testing. Allele origin: germline. Not counted in ClinVar's aggregate classification.

NM_000203.5(IDUA):c.1343C>A (p.Ala448Asp)

Gene: IDUA (alpha-L-iduronidase; plus strand). Cytogenetic location: 4p16.3.
Variant type: single nucleotide variant.
Coding change: c.1343C>A on transcript NM_000203.5 (MANE Select); coding-DNA position 1343, C replaced by A.
Protein change: p.Ala448Asp; replaces alanine 448 with aspartic acid.
Molecular consequence: missense variant. On other transcripts: non-coding transcript variant (1).
Genome position (GRCh38, 1-based): chr4:1,002,885, C>A. VCF-style: chr4-1002885-C-A. GRCh37 (hg19) VCF-style: chr4-996673-C-A.
Other names: c.947C>A, p.Ala316Asp (NM_001363576.1); c.1343C>A (NM_000203.3); short protein forms A316D, A448D.
Identifiers: ClinVar variation 1022974 (VCV001022974.9), dbSNP rs565375837, ClinGen allele CA2802232.